The following is an entry in ClinVar:

ClinVar aggregate classification (germline): Uncertain significance (1 of 4 stars; one submission).

gnomAD v4.1: 63 of 1,611,404 alleles (0.0039%); highest among the groups gnomAD compares: African/African-American, 0.039%; no homozygotes.

Submission:

Labcorp Genetics (formerly Invitae), Labcorp
Classification: Uncertain significance. Last evaluated: 2024-07-29. Review status: criteria provided, single submitter. Criteria: Invitae Variant Classification Sherloc (09022015). Collection method: clinical testing. Allele origin: germline.
Comment: This sequence change falls in intron 34 of the ACACA gene. It does not directly change the encoded amino acid sequence of the ACACA protein. It affects a nucleotide within the consensus splice site. This variant is present in population databases (rs368345944, gnomAD 0.03%). This variant has not been reported in the literature in individuals affected with ACACA-related conditions. Variants that disrupt the consensus splice site are a relatively common cause of aberrant splicing (PMID: 17576681, 9536098). Algorithms developed to predict the effect of sequence changes on RNA splicing suggest that this variant is not likely to affect RNA splicing. In summary, the available evidence is currently insufficient to determine the role of this variant in disease. Therefore, it has been classified as a Variant of Uncertain Significance.

Literature cited by the submitters: PubMed 17576681; PubMed 9536098.

NM_198834.3(ACACA):c.3707+5C>T

Gene: ACACA (acetyl-CoA carboxylase alpha; minus strand). Cytogenetic location: 17q12.
Variant type: single nucleotide variant.
Coding change: c.3707+5C>T on transcript NM_198834.3 (MANE Select); 5 bases into the intron after coding-DNA position 3707, C replaced by T.
Molecular consequence: intron variant.
Genome position (GRCh38, 1-based): chr17:37,210,462, G>A on the plus strand (C>T on the coding strand, the complement: ACACA is on the minus strand). VCF-style: chr17-37210462-G-A. GRCh37 (hg19) VCF-style: chr17-35567376-G-A.
Other names: c.3596+5C>T (NM_198839.3, NM_198836.3); c.3422+5C>T (NM_198837.2); c.3362+5C>T (NM_198838.2).
Identifiers: ClinVar variation 3605893 (VCV003605893.2).